The following is an entry in ClinVar:

ClinVar aggregate classification (germline): Uncertain significance (1 of 4 stars; one submission).

Allele frequency attached by ClinVar (database versions not stated): ExAC 0.00001; TOPMed 0.00001; gnomAD 0.00002.
gnomAD v4.1: 21 of 1,607,106 alleles (0.0013%); highest among the groups gnomAD compares: Non-Finnish European, 0.0018%; no homozygotes.

Submission:

Labcorp Genetics (formerly Invitae), Labcorp
Classification: Uncertain significance. Last evaluated: 2023-06-25. Review status: criteria provided, single submitter. Criteria: Invitae Variant Classification Sherloc (09022015). Collection method: clinical testing. Allele origin: germline.
Comment: Advanced modeling of protein sequence and biophysical properties (such as structural, functional, and spatial information, amino acid conservation, physicochemical variation, residue mobility, and thermodynamic stability) has been performed at Invitae for this missense variant, however the output from this modeling did not meet the statistical confidence thresholds required to predict the impact of this variant on CACNA1E protein function. This variant has not been reported in the literature in individuals affected with CACNA1E-related conditions. This variant is present in population databases (rs777197271, gnomAD 0.003%). This sequence change replaces serine, which is neutral and polar, with cysteine, which is neutral and slightly polar, at codon 2104 of the CACNA1E protein (p.Ser2104Cys). In summary, the available evidence is currently insufficient to determine the role of this variant in disease. Therefore, it has been classified as a Variant of Uncertain Significance.

NM_001205293.3(CACNA1E):c.6440C>G (p.Ser2147Cys)

Gene: CACNA1E (calcium voltage-gated channel subunit alpha1 E; plus strand). Cytogenetic location: 1q25.3.
Variant type: single nucleotide variant.
Coding change: c.6440C>G on transcript NM_001205293.3 (MANE Select); coding-DNA position 6440, C replaced by G.
Protein change: p.Ser2147Cys; replaces serine 2147 with cysteine.
Molecular consequence: missense variant.
Genome position (GRCh38, 1-based): chr1:181,798,332, C>G. VCF-style: chr1-181798332-C-G. GRCh37 (hg19) VCF-style: chr1-181767468-C-G.
Other names: c.6311C>G, p.Ser2104Cys (NM_000721.4); c.6254C>G, p.Ser2085Cys (NM_001205294.2); short protein forms S2104C, S2085C, S2147C.
Identifiers: ClinVar variation 2956899 (VCV002956899.3), dbSNP rs777197271, ClinGen allele CA1276409.